The following is an entry in ClinVar:

NM_002972.4(SBF1):c.1089+4G>A

Gene: SBF1 (SET binding factor 1; minus strand). Cytogenetic location: 22q13.33.
Variant type: single nucleotide variant.
Coding change: c.1089+4G>A on transcript NM_002972.4 (MANE Select); 4 bases into the intron after coding-DNA position 1089, G replaced by A.
Molecular consequence: intron variant.
Genome position (GRCh38, 1-based): chr22:50,465,759, C>T on the plus strand (G>A on the coding strand, the complement: SBF1 is on the minus strand). VCF-style: chr22-50465759-C-T. GRCh37 (hg19) VCF-style: chr22-50904188-C-T.
Other names: c.1092+4G>A (NM_001365819.1).
Identifiers: ClinVar variation 1516702 (VCV001516702.6), dbSNP rs1439347452, ClinGen allele CA640049205.

ClinVar aggregate classification (germline): Uncertain significance (1 of 4 stars; one submission).

Allele frequency attached by ClinVar (database versions not stated): gnomAD exomes below 0.00001.

Submission:

Labcorp Genetics (formerly Invitae), Labcorp
Classification: Uncertain significance. Last evaluated: 2021-02-28. Review status: criteria provided, single submitter. Criteria: Invitae Variant Classification Sherloc (09022015). Collection method: clinical testing. Allele origin: germline.
Comment: In summary, the available evidence is currently insufficient to determine the role of this variant in disease. Therefore, it has been classified as a Variant of Uncertain Significance. Nucleotide substitutions within the consensus splice site are a relatively common cause of aberrant splicing (PMID: 17576681, 9536098). Algorithms developed to predict the effect of sequence changes on RNA splicing suggest that this variant is not likely to affect RNA splicing, but this prediction has not been confirmed by published transcriptional studies. This variant has not been reported in the literature in individuals with SBF1-related conditions. This variant is not present in population databases (ExAC no frequency). This sequence change falls in intron 10 of the SBF1 gene. It does not directly change the encoded amino acid sequence of the SBF1 protein. It affects a nucleotide within the consensus splice site of the intron.

Literature cited by the submitters: PubMed 17576681; PubMed 9536098.